The following is an entry in ClinVar:

NM_018136.5(ASPM):c.261G>C (p.Leu87=)

Genes: ASPM (assembly factor for spindle microtubules; minus strand), LOC129932155 (ATAC-STARR-seq lymphoblastoid silent region 1659; plus strand). Cytogenetic location: 1q31.3.
Variant type: single nucleotide variant.
Coding change: c.261G>C on transcript NM_018136.5 (MANE Select); coding-DNA position 261, G replaced by C.
Protein change: p.Leu87=; no amino-acid change (leucine 87 retained).
Molecular consequence: synonymous variant.
Genome position (GRCh38, 1-based): chr1:197,146,177, C>G on the plus strand (G>C on the coding strand, the complement: ASPM is on the minus strand). VCF-style: chr1-197146177-C-G. GRCh37 (hg19) VCF-style: chr1-197115307-C-G.
Other names: c.261G>C, p.Leu87= (NM_001206846.2).
Identifiers: ClinVar variation 1671738 (VCV001671738.30), dbSNP rs1398918510, ClinGen allele CA422804547.

ClinVar aggregate classification (germline): Likely benign. Review status: criteria provided, multiple submitters, no conflicts (2 of 4 stars). 2 submissions from 2 submitters: Likely benign (2). Last evaluated 2025-04-17.

Allele frequency attached by ClinVar (database versions not stated): gnomAD 0.00001; gnomAD exomes 0.00001.
gnomAD v4.1: 4 of 1,613,776 alleles (0.00025%); highest among the groups gnomAD compares: Non-Finnish European, 0.00025%; no homozygotes.

Submissions (2):

Labcorp Genetics (formerly Invitae), Labcorp
Classification: Likely benign. Last evaluated: 2025-04-17. Review status: criteria provided, single submitter. Criteria: Invitae Variant Classification Sherloc (09022015). Collection method: clinical testing. Allele origin: germline.

CeGaT Center for Human Genetics Tuebingen
Classification: Likely benign. Last evaluated: 2023-12-01. Review status: criteria provided, single submitter. Criteria: CeGaT Center For Human Genetics Tuebingen Variant Classification Criteria Version 2. Collection method: clinical testing. Allele origin: germline. Affected: yes. Observed: 1 variant allele.
Comment: ASPM: BP4, BP7